The following is an entry in ClinVar:

NM_001384900.1(SEMA3D):c.861+8A>G

Gene: SEMA3D (semaphorin 3D; minus strand). Cytogenetic location: 7q21.11.
Variant type: single nucleotide variant.
Coding change: c.861+8A>G on transcript NM_001384900.1 (MANE Select); 8 bases into the intron after coding-DNA position 861, A replaced by G.
Molecular consequence: intron variant.
Genome position (GRCh38, 1-based): chr7:85,055,709, T>C on the plus strand (A>G on the coding strand, the complement: SEMA3D is on the minus strand). VCF-style: chr7-85055709-T-C. GRCh37 (hg19) VCF-style: chr7-84685025-T-C.
Other names: c.861+8A>G (NM_001384901.1, NM_001384903.1, NM_001384902.1 and 1 more transcripts).
Identifiers: ClinVar variation 3355108 (VCV003355108.1).

ClinVar aggregate classification (germline): Likely benign (0 of 4 stars; one submission).

Conditions:
SEMA3D-related disorder. Also called: SEMA3D-related condition.

gnomAD v4.1: 14 of 1,071,800 alleles (0.0013%); highest among the groups gnomAD compares: Non-Finnish European, 0.0017%; no homozygotes.

Submission:

PreventionGenetics, part of Exact Sciences
Classification: Likely benign for SEMA3D-related condition. Last evaluated: 2023-02-28. Review status: no assertion criteria provided. Collection method: clinical testing. Allele origin: germline.
Comment: This variant is classified as likely benign based on ACMG/AMP sequence variant interpretation guidelines (Richards et al. 2015 PMID: 25741868, with internal and published modifications).